The following is an entry in ClinVar:

ClinVar aggregate classification (germline): Uncertain significance (1 of 4 stars; one submission).

Submission:

Labcorp Genetics (formerly Invitae), Labcorp
Classification: Uncertain significance. Last evaluated: 2023-06-29. Review status: criteria provided, single submitter. Criteria: Invitae Variant Classification Sherloc (09022015). Collection method: clinical testing. Allele origin: germline.
Comment: This sequence change replaces histidine, which is basic and polar, with proline, which is neutral and non-polar, at codon 921 of the SETBP1 protein (p.His921Pro). This variant is not present in population databases (gnomAD no frequency). In summary, the available evidence is currently insufficient to determine the role of this variant in disease. Therefore, it has been classified as a Variant of Uncertain Significance. Advanced modeling of protein sequence and biophysical properties (such as structural, functional, and spatial information, amino acid conservation, physicochemical variation, residue mobility, and thermodynamic stability) performed at Invitae indicates that this missense variant is not expected to disrupt SETBP1 protein function. This variant has not been reported in the literature in individuals affected with SETBP1-related conditions.

NM_015559.3(SETBP1):c.2762A>C (p.His921Pro)

Gene: SETBP1 (SET binding protein 1; plus strand). Cytogenetic location: 18q12.3.
Variant type: single nucleotide variant.
Coding change: c.2762A>C on transcript NM_015559.3 (MANE Select); coding-DNA position 2762, A replaced by C.
Protein change: p.His921Pro; replaces histidine 921 with proline.
Molecular consequence: missense variant.
Genome position (GRCh38, 1-based): chr18:44,952,102, A>C. VCF-style: chr18-44952102-A-C. GRCh37 (hg19) VCF-style: chr18-42532067-A-C.
Other names: c.2762A>C, p.His921Pro (NM_001379141.1, NM_001379142.1, NM_001410862.1); short protein forms H921P.
Identifiers: ClinVar variation 2732859 (VCV002732859.3), dbSNP rs1374789872, ClinGen allele CA402322154.